The following is an entry in ClinVar:

ClinVar aggregate classification (germline): Uncertain significance. Review status: criteria provided, multiple submitters, no conflicts (2 of 4 stars). 2 submissions from 2 submitters: Uncertain significance (2). Last evaluated 2025-01-08.

Submissions (2):

GeneDx
Classification: Uncertain significance. Last evaluated: 2025-01-08. Review status: criteria provided, single submitter. Criteria: GeneDx Variant Classification Process June 2021. Collection method: clinical testing. Allele origin: germline. Affected: yes.
Comment: Not observed at significant frequency in large population cohorts (gnomAD); In silico analysis supports that this missense variant has a deleterious effect on protein structure/function; Has not been previously published as pathogenic or benign to our knowledge

CeGaT Center for Human Genetics Tuebingen
Classification: Uncertain significance. Last evaluated: 2023-12-01. Review status: criteria provided, single submitter. Criteria: CeGaT Center For Human Genetics Tuebingen Variant Classification Criteria Version 2. Collection method: clinical testing. Allele origin: germline. Affected: yes. Observed: 1 variant allele.
Comment: MSTO1: PP2

NM_018116.4(MSTO1):c.523C>T (p.Arg175Trp)

Gene: MSTO1 (misato mitochondrial distribution and morphology regulator 1; plus strand). Cytogenetic location: 1q22.
Variant type: single nucleotide variant.
Coding change: c.523C>T on transcript NM_018116.4 (MANE Select); coding-DNA position 523, C replaced by T.
Protein change: p.Arg175Trp; replaces arginine 175 with tryptophan.
Molecular consequence: missense variant. On other transcripts: 5 prime UTR variant (13), non-coding transcript variant (6).
Genome position (GRCh38, 1-based): chr1:155,611,790, C>T. VCF-style: chr1-155611790-C-T. GRCh37 (hg19) VCF-style: chr1-155581581-C-T.
Other names: c.523C>T, p.Arg175Trp (NM_001256532.1, NM_001256533.1, NM_001350772.1 and 3 more transcripts); c.358C>T, p.Arg120Trp (NM_001350776.1); c.-34C>T (NM_001350777.1, NM_001350778.1, NM_001350779.1); c.-12C>T (NM_001350780.1, NM_001350781.1, NM_001350782.1 and 3 more transcripts); c.-83C>T (NM_001350784.1, NM_001350785.1, NM_001350787.1 and 1 more transcripts); short protein forms R120W, R175W.
Identifiers: ClinVar variation 3026846 (VCV003026846.23), dbSNP rs1185376088, ClinGen allele CA342757482.